The following is an entry in ClinVar:

ClinVar aggregate classification (germline): Likely pathogenic. Review status: criteria provided, multiple submitters, no conflicts (2 of 4 stars). 3 submissions from 3 submitters: Likely pathogenic (3). Last evaluated 2026-01-02.

Conditions:
Hypophosphatasia. Also called: Phosphoethanol-aminuria. Identifiers: Orphanet 436, MedGen C0020630, MeSH D007014, MONDO:0018570.

gnomAD v4.1: 1 of 1,613,836 alleles (0.000062%); highest among the groups gnomAD compares: Non-Finnish European, 0.000085%; no homozygotes.

Submissions (3):

Women's Health and Genetics/Laboratory Corporation of America, LabCorp
Classification: Likely pathogenic for Hypophosphatasia. Last evaluated: 2026-01-02. Review status: criteria provided, single submitter. Criteria: LabCorp Variant Classification Summary - May 2015. Collection method: clinical testing. Allele origin: germline.
Comment: Variant summary: ALPL c.346G>T (p.Ala116Ser) results in a conservative amino acid change in the encoded protein sequence. Algorithms developed to predict the effect of missense changes on protein structure and function are either unavailable or do not agree on the potential impact of this missense change. The variant was absent in 251048 control chromosomes. c.346G>T has been observed in individual(s) affected with hypophosphatasia in homozygous or heterozygous state. These data indicate that the variant may be associated with disease. A different variant affecting the same codon has been classified as pathogenic by our lab (c.346G>A, p.Ala116Thr), supporting the critical relevance of codon 116 to ALPL protein function. To our knowledge, no experimental evidence demonstrating an impact on protein function has been reported. The following publications have been ascertained in the context of this evaluation (PMID: 29264574, 33191482). ClinVar contains an entry for this variant (Variation ID: 1466600). Based on the evidence outlined above, the variant was classified as likely pathogenic for AD and AR hypophosphatasia.

Genomenon, Inc
Classification: Likely pathogenic for Hypophosphatasia. Last evaluated: 2025-08-29. Review status: criteria provided, single submitter. Criteria: Genomenon Sequence Variant Interpretation Standards. Collection method: curation. Allele origin: germline. Affected: yes.
Comment: ALPL c.346G>T is a missense variant that changes the amino acid at residue 116 from Alanine to Serine. This variant has been observed in at least one proband affected with hypophosphatasia (PMID:33191482;29264574). It is absent or not present at a significant frequency in gnomAD. In silico models agree that this variant is possibly or probably damaging. In conclusion, we classify ALPL p.Ala116Ser (c.346G>T) as a likely pathogenic variant.

Labcorp Genetics (formerly Invitae), Labcorp
Classification: Likely pathogenic. Last evaluated: 2021-03-25. Review status: criteria provided, single submitter. Criteria: Invitae Variant Classification Sherloc (09022015). Collection method: clinical testing. Allele origin: germline.
Comment: In summary, the currently available evidence indicates that the variant is pathogenic, but additional data are needed to prove that conclusively. Therefore, this variant has been classified as Likely Pathogenic. This variant disrupts the p.Ala116 amino acid residue in ALPL. Other variant(s) that disrupt this residue have been determined to be pathogenic (PMID: 10679946, 11438998, 25731960, 10872988, 12920074, 21168482, 25716980). This suggests that this residue is clinically significant, and that variants that disrupt this residue are likely to be disease-causing. Advanced modeling of protein sequence and biophysical properties (such as structural, functional, and spatial information, amino acid conservation, physicochemical variation, residue mobility, and thermodynamic stability) performed at Invitae indicates that this missense variant is expected to disrupt ALPL protein function. This variant has not been reported in the literature in individuals with ALPL-related conditions. This variant is not present in population databases (ExAC no frequency). This sequence change replaces alanine with serine at codon 116 of the ALPL protein (p.Ala116Ser). The alanine residue is highly conserved and there is a moderate physicochemical difference between alanine and serine.

Literature cited by the submitters: PubMed 33191482 (cited by Women's Health and Genetics/Laboratory Corporation of America, LabCorp and Genomenon, Inc); PubMed 29264574 (cited by Women's Health and Genetics/Laboratory Corporation of America, LabCorp and Genomenon, Inc); PubMed 10679946 (cited by Labcorp Genetics (formerly Invitae), Labcorp); PubMed 11438998 (cited by Labcorp Genetics (formerly Invitae), Labcorp); PubMed 25731960 (cited by Labcorp Genetics (formerly Invitae), Labcorp); PubMed 10872988 (cited by Labcorp Genetics (formerly Invitae), Labcorp); PubMed 12920074 (cited by Labcorp Genetics (formerly Invitae), Labcorp); PubMed 21168482 (cited by Labcorp Genetics (formerly Invitae), Labcorp); PubMed 25716980 (cited by Labcorp Genetics (formerly Invitae), Labcorp).

NM_000478.6(ALPL):c.346G>T (p.Ala116Ser)

Gene: ALPL (alkaline phosphatase, biomineralization associated; plus strand). Cytogenetic location: 1p36.12.
Variant type: single nucleotide variant.
Coding change: c.346G>T on transcript NM_000478.6 (MANE Select); coding-DNA position 346, G replaced by T.
Protein change: p.Ala116Ser; replaces alanine 116 with serine.
Molecular consequence: missense variant.
Genome position (GRCh38, 1-based): chr1:21,563,158, G>T. VCF-style: chr1-21563158-G-T. GRCh37 (hg19) VCF-style: chr1-21889651-G-T.
Other names: c.181G>T, p.Ala61Ser (NM_001127501.4); c.115G>T, p.Ala39Ser (NM_001177520.3); c.346G>T, p.Ala116Ser (NM_001369803.2, NM_001369804.2, NM_001369805.2); short protein forms A116S, A61S, A39S.
Identifiers: ClinVar variation 1466600 (VCV001466600.8), dbSNP rs121918013, ClinGen allele CA338877148.